The following is an entry in ClinVar:

ClinVar aggregate classification (germline): Uncertain significance (1 of 4 stars; one submission).

Conditions:
Hereditary cancer-predisposing syndrome. Also called: Hereditary neoplastic syndrome; Neoplastic Syndromes, Hereditary; Tumor predisposition; Hereditary Cancer Syndrome. Identifiers: Orphanet 140162, MedGen C0027672, MeSH D009386, MONDO:0015356.

Submission:

Ambry Genetics
Classification: Uncertain significance for Hereditary cancer-predisposing syndrome. Last evaluated: 2025-01-17. Review status: criteria provided, single submitter. Criteria: Ambry Variant Classification Scheme 2023. Collection method: clinical testing. Allele origin: germline.
Comment: The p.E80D variant (also known as c.240G>T), located in coding exon 1 of the CDKN1B gene, results from a G to T substitution at nucleotide position 240. The glutamic acid at codon 80 is replaced by aspartic acid, an amino acid with highly similar properties. This amino acid position is conserved. In addition, this alteration is predicted to be tolerated by in silico analysis. Based on the available evidence, the clinical significance of this variant remains unclear.

NM_004064.5(CDKN1B):c.240G>T (p.Glu80Asp)

Gene: CDKN1B (cyclin dependent kinase inhibitor 1B; plus strand). Cytogenetic location: 12p13.1.
Variant type: single nucleotide variant.
Coding change: c.240G>T on transcript NM_004064.5 (MANE Select); coding-DNA position 240, G replaced by T.
Protein change: p.Glu80Asp; replaces glutamic acid 80 with aspartic acid.
Molecular consequence: missense variant.
Genome position (GRCh38, 1-based): chr12:12,718,079, G>T. VCF-style: chr12-12718079-G-T. GRCh37 (hg19) VCF-style: chr12-12871013-G-T.
Other names: short protein forms E80D.
Identifiers: ClinVar variation 3830969 (VCV003830969.1).